The following is an entry in ClinVar:

NM_001206744.2(TPO):c.1009G>A (p.Glu337Lys)

Gene: TPO (thyroid peroxidase; plus strand). Cytogenetic location: 2p25.3.
Variant type: single nucleotide variant.
Coding change: c.1009G>A on transcript NM_001206744.2 (MANE Select); coding-DNA position 1009, G replaced by A.
Protein change: p.Glu337Lys; replaces glutamic acid 337 with lysine.
Molecular consequence: missense variant. On other transcripts: intron variant (1).
Genome position (GRCh38, 1-based): chr2:1,477,275, G>A. VCF-style: chr2-1477275-G-A. GRCh37 (hg19) VCF-style: chr2-1481047-G-A.
Other names: c.1009G>A, p.Glu337Lys (NM_000547.6, NM_001206745.2, NM_175719.4 and 1 more transcripts); c.820-7321G>A (NM_175722.3); short protein forms E337K.
Identifiers: ClinVar variation 2573441 (VCV002573441.1), dbSNP rs1464771666, ClinGen allele CA345694227.

ClinVar aggregate classification (germline): Likely pathogenic (1 of 4 stars; one submission).

Conditions:
Deficiency of iodide peroxidase (TDH2A). Also called: Thyroid dyshormonogenesis 2A; HYPOTHYROIDISM, CONGENITAL, DUE TO DYSHORMONOGENESIS, 2A; IODIDE PEROXIDASE DEFICIENCY; THYROID HORMONOGENESIS, GENETIC DEFECT IN, 2A; THYROID PEROXIDASE DEFICIENCY. Identifiers: Orphanet 95716, MedGen C1291299, MONDO:0010133, OMIM 274500.

Allele frequency attached by ClinVar (database versions not stated): TOPMed below 0.00001.

Submission:

Women's Health and Genetics/Laboratory Corporation of America, LabCorp
Classification: Likely pathogenic for Deficiency of iodide peroxidase. Last evaluated: 2023-06-29. Review status: criteria provided, single submitter. Criteria: LabCorp Variant Classification Summary - May 2015. Collection method: clinical testing. Allele origin: germline.
Comment: Variant summary: TPO c.1009G>A (p.Glu337Lys) results in a conservative amino acid change in the encoded protein sequence. Four of five in-silico tools predict a benign effect of the variant on protein function. The variant was absent in 220360 control chromosomes (gnomAD). c.1009G>A has been reported in the literature in an individual affected with progressive goiter (example: Zhang_2020). At least one publication reports experimental evidence evaluating an impact on protein function. The most pronounced variant effect results in <10% of normal activity (Zhang_2020). The following publications have been ascertained in the context of this evaluation (PMID: 35002963, 32078117). No submitters have cited clinical-significance assessments for this variant to ClinVar after 2014. Based on the evidence outlined above, the variant was classified as likely pathogenic.

Literature cited by the submitters: PubMed 35002963; PubMed 32078117.